The following is an entry in ClinVar:

ClinVar aggregate classification (germline): Uncertain significance. Review status: criteria provided, multiple submitters, no conflicts (2 of 4 stars). 2 submissions from 2 submitters: Uncertain significance (2). Last evaluated 2026-08-27.

Conditions:
Multisystemic smooth muscle dysfunction syndrome (SMDYS). Also called: MYDRIASIS, CONGENITAL, WITH PATENT DUCTUS ARTERIOSUS, THORACIC AORTIC ANEURYSM, AND VASCULOPATHY; SMOOTH MUSCLE DYSFUNCTION SYNDROME. Identifiers: Orphanet 404463, MedGen C3151201, MONDO:0013452, OMIM 613834.
Moyamoya disease 5 (MYMY5). Identifiers: Orphanet 2573, MedGen C3279690, MONDO:0013542, OMIM 614042.

Submissions (2):

Department of Molecular Genetics, Istishari Arab Hospital
Classification: Uncertain significance for Moyamoya disease 5; Multisystemic smooth muscle dysfunction syndrome. Last evaluated: 2026-08-27. Review status: criteria provided, single submitter. Criteria: ACMG Guidelines, 2015. Collection method: clinical testing. Allele origin: germline. Inheritance: Autosomal dominant inheritance. Affected: yes.
Comment: The ACTA2 variant c.920T>C creates an amino acid change from Met to Thr at position 307. This variant is not observed in the gnomAD v4.1.0 dataset and has not been previously described in the literature. It is classified as a variant of uncertain significance according to the recommendations of ACMG/AMP/ClinGen SVI guidelines.

Mayo Clinic Laboratories, Mayo Clinic
Classification: Uncertain significance. Last evaluated: 2019-09-10. Review status: criteria provided, single submitter. Criteria: ACMG Guidelines, 2015. Collection method: clinical testing. Allele origin: germline. Observed: 1 variant allele.

NM_001613.4(ACTA2):c.920T>C (p.Met307Thr)

Genes: ACTA2 (actin alpha 2, smooth muscle; minus strand), ACTA2-AS1 (ACTA2 antisense RNA 1; plus strand). Cytogenetic location: 10q23.31.
Variant type: single nucleotide variant.
Coding change: c.920T>C on transcript NM_001613.4 (MANE Select); coding-DNA position 920, T replaced by C.
Protein change: p.Met307Thr; replaces methionine 307 with threonine.
Molecular consequence: missense variant.
Genome position (GRCh38, 1-based): chr10:88,938,131, A>G on the plus strand (T>C on the coding strand, the complement: ACTA2 is on the minus strand). VCF-style: chr10-88938131-A-G. GRCh37 (hg19) VCF-style: chr10-90697888-A-G.
Other names: c.920T>C, p.Met307Thr (NM_001141945.3, NM_001320855.2, NM_001406462.1 and 2 more transcripts); c.809T>C, p.Met270Thr (NM_001406466.1); c.791T>C, p.Met264Thr (NM_001406467.1, NM_001406468.1, NM_001406469.1); c.728T>C, p.Met243Thr (NM_001406471.1); short protein forms M307T, M243T, M270T, M264T.
Identifiers: ClinVar variation 1163329 (VCV001163329.8), dbSNP rs2133246239, ClinGen allele CA377510792.
Genomic context (GRCh38, chr10:88,938,131, plus strand): 5'-ATGGTGCTGGGTGCTAGGGCCGTGATCTCCTTCTGCATTCGGTCGGCAATGCCAGGGTAC[A>G]TAGTGGTGCCCCCTGATAGGACATTGTTAGCATAGAGGTCCTTCCTGATGTCAATATCAC-3'
Protein context (NP_001604.1, residues 297-317): ANNVLSGGTT[Met307Thr]YPGIADRMQK